The following is an entry in ClinVar:

NM_001792.5(CDH2):c.110C>T (p.Pro37Leu)

Gene: CDH2 (cadherin 2; minus strand). Cytogenetic location: 18q12.1.
Variant type: single nucleotide variant.
Coding change: c.110C>T on transcript NM_001792.5 (MANE Select); coding-DNA position 110, C replaced by T.
Protein change: p.Pro37Leu; replaces proline 37 with leucine.
Molecular consequence: missense variant.
Genome position (GRCh38, 1-based): chr18:28,147,735, G>A on the plus strand (C>T on the coding strand, the complement: CDH2 is on the minus strand). VCF-style: chr18-28147735-G-A. GRCh37 (hg19) VCF-style: chr18-25727699-G-A.
Other names: c.110C>T (NM_001792.3); short protein forms P37L.
Identifiers: ClinVar variation 2189919 (VCV002189919.6), dbSNP rs774902934, ClinGen allele CA8923834.

ClinVar aggregate classification (germline): Uncertain significance. Review status: criteria provided, multiple submitters, no conflicts (2 of 4 stars). 2 submissions from 2 submitters: Uncertain significance (2). Last evaluated 2024-10-16.

Conditions:
Inborn genetic diseases. Identifiers: MedGen C0950123, MeSH D030342.

Allele frequency attached by ClinVar (database versions not stated): gnomAD exomes below 0.00001; ExAC 0.00001; gnomAD 0.00001.
gnomAD v4.1: 7 of 1,612,270 alleles (0.00043%); highest among the groups gnomAD compares: African/African-American, 0.0067%; no homozygotes.

Submissions (2):

Labcorp Genetics (formerly Invitae), Labcorp
Classification: Uncertain significance. Last evaluated: 2024-10-16. Review status: criteria provided, single submitter. Criteria: Invitae Variant Classification Sherloc (09022015). Collection method: clinical testing. Allele origin: germline.
Comment: This sequence change replaces proline, which is neutral and non-polar, with leucine, which is neutral and non-polar, at codon 37 of the CDH2 protein (p.Pro37Leu). This variant is present in population databases (rs774902934, gnomAD 0.01%). This variant has not been reported in the literature in individuals affected with CDH2-related conditions. ClinVar contains an entry for this variant (Variation ID: 2189919). An algorithm developed to predict the effect of missense changes on protein structure and function (PolyPhen-2) suggests that this variant is likely to be tolerated. In summary, the available evidence is currently insufficient to determine the role of this variant in disease. Therefore, it has been classified as a Variant of Uncertain Significance.

Ambry Genetics
Classification: Uncertain significance for Inborn genetic diseases. Last evaluated: 2023-08-29. Review status: criteria provided, single submitter. Criteria: Ambry Variant Classification Scheme 2023. Collection method: clinical testing. Allele origin: germline.
Comment: The p.P37L variant (also known as c.110C>T), located in coding exon 2 of the CDH2 gene, results from a C to T substitution at nucleotide position 110. The proline at codon 37 is replaced by leucine, an amino acid with similar properties. This amino acid position is conserved. In addition, this alteration is predicted to be tolerated by in silico analysis. Since supporting evidence is limited at this time, the clinical significance of this alteration remains unclear.